The following is an entry in ClinVar:

NM_000089.4(COL1A2):c.2673+6T>A

Gene: COL1A2 (collagen type I alpha 2 chain; plus strand). Cytogenetic location: 7q21.3.
Variant type: single nucleotide variant.
Coding change: c.2673+6T>A on transcript NM_000089.4 (MANE Select); 6 bases into the intron after coding-DNA position 2673, T replaced by A.
Molecular consequence: intron variant.
Genome position (GRCh38, 1-based): chr7:94,424,449, T>A. VCF-style: chr7-94424449-T-A. GRCh37 (hg19) VCF-style: chr7-94053761-T-A.
Identifiers: ClinVar variation 2188647 (VCV002188647.5), dbSNP rs541013702, ClinGen allele CA4347520.

ClinVar aggregate classification (germline): Uncertain significance (1 of 4 stars; one submission).

Conditions:
Ehlers-Danlos syndrome, classic type, 1 (EDSCL1). Also called: EDS I; EHLERS-DANLOS SYNDROME, GRAVIS TYPE; EHLERS-DANLOS SYNDROME, SEVERE CLASSIC TYPE; Ehlers-Danlos syndrome, type 1; Ehlers-Danlos Syndrome, Classic Type, COL5A1-Related. Identifiers: MedGen C0268335, MONDO:0019567, OMIM 130000.
Osteogenesis imperfecta type I (OI1). Also called: OI, TYPE I; OSTEOGENESIS IMPERFECTA TARDA; OSTEOGENESIS IMPERFECTA WITH BLUE SCLERAE; Osteogenesis imperfecta type 1; Lobstein's Disease; Lobstein disease. Identifiers: Orphanet 216796, Orphanet 666, MedGen C0023931, MONDO:0008146, OMIM 166200. Disease mechanism: loss of function.

Allele frequency attached by ClinVar (database versions not stated): gnomAD exomes below 0.00001; ExAC 0.00001; gnomAD 0.00001.
gnomAD v4.1: 7 of 1,612,290 alleles (0.00043%); highest among the groups gnomAD compares: East Asian, 0.0089%; no homozygotes.

Submissions (3):

Labcorp Genetics (formerly Invitae), Labcorp
Classification: Uncertain significance for Osteogenesis imperfecta type I; Ehlers-Danlos syndrome, classic type, 1. Last evaluated: 2025-12-09. Review status: criteria provided, single submitter. Criteria: Invitae Variant Classification Sherloc (09022015). Collection method: clinical testing. Allele origin: germline.
Comment: This sequence change falls in intron 41 of the COL1A2 gene. It does not directly change the encoded amino acid sequence of the COL1A2 protein. It affects a nucleotide within the consensus splice site. This variant is present in population databases (rs541013702, gnomAD 0.006%). This variant has not been reported in the literature in individuals affected with COL1A2-related conditions. ClinVar contains an entry for this variant (Variation ID: 2188647). Variants that disrupt the consensus splice site are a relatively common cause of aberrant splicing (PMID: 17576681, 9536098). Algorithms developed to predict the effect of sequence changes on RNA splicing suggest that this variant may disrupt the consensus splice site. In summary, the available evidence is currently insufficient to determine the role of this variant in disease. Therefore, it has been classified as a Variant of Uncertain Significance.

Dr. Peter K. Rogan Lab, Western University
No classification provided (evidence only). Condition: Gastric cancer. Review status: no classification provided. Collection method: in vitro. Allele origin: not applicable. Functional consequence: retained intron. Not counted in ClinVar's aggregate classification.

Dr. Peter K. Rogan Lab, Western University
No classification provided (evidence only). Condition: Malignant tumor of esophagus. Review status: no classification provided. Collection method: in vitro. Allele origin: not applicable. Functional consequence: skipped exon, retained intron. Not counted in ClinVar's aggregate classification.

Literature cited by the submitters: PubMed 17576681 (cited by Labcorp Genetics (formerly Invitae), Labcorp); PubMed 9536098 (cited by Labcorp Genetics (formerly Invitae), Labcorp).